The following is an entry in ClinVar:

ClinVar aggregate classification (germline): Uncertain significance (1 of 4 stars; one submission).

Allele frequency attached by ClinVar (database versions not stated): gnomAD exomes below 0.00001; ExAC 0.00001.

Submission:

Labcorp Genetics (formerly Invitae), Labcorp
Classification: Uncertain significance. Last evaluated: 2021-09-17. Review status: criteria provided, single submitter. Criteria: Invitae Variant Classification Sherloc (09022015). Collection method: clinical testing. Allele origin: germline.
Comment: This sequence change replaces valine with leucine at codon 844 of the ELP1 protein (p.Val844Leu). The valine residue is highly conserved and there is a small physicochemical difference between valine and leucine. This variant is present in population databases (rs754119022, ExAC 0.001%). This variant has not been reported in the literature in individuals with ELP1-related conditions. Algorithms developed to predict the effect of missense changes on protein structure and function are either unavailable or do not agree on the potential impact of this missense change (SIFT: "Tolerated"; PolyPhen-2: "Possibly Damaging"; Align-GVGD: "Class C0"). In summary, the available evidence is currently insufficient to determine the role of this variant in disease. Therefore, it has been classified as a Variant of Uncertain Significance.

NM_003640.5(ELP1):c.2530G>T (p.Val844Leu)

Gene: ELP1 (elongator acetyltransferase complex subunit 1; minus strand). Cytogenetic location: 9q31.3.
Variant type: single nucleotide variant.
Coding change: c.2530G>T on transcript NM_003640.5 (MANE Select); coding-DNA position 2530, G replaced by T.
Protein change: p.Val844Leu; replaces valine 844 with leucine.
Molecular consequence: missense variant.
Genome position (GRCh38, 1-based): chr9:108,897,010, C>A on the plus strand (G>T on the coding strand, the complement: ELP1 is on the minus strand). VCF-style: chr9-108897010-C-A. GRCh37 (hg19) VCF-style: chr9-111659290-C-A.
Other names: c.2188G>T, p.Val730Leu (NM_001318360.2); c.1483G>T, p.Val495Leu (NM_001330749.2); short protein forms V730L, V844L, V495L.
Identifiers: ClinVar variation 1399866 (VCV001399866.5), dbSNP rs754119022, ClinGen allele CA5174611.